The following is an entry in ClinVar:

ClinVar aggregate classification (germline): Pathogenic (1 of 4 stars; one submission).

Conditions:
Neurofibromatosis, type 1 (NF1). Also called: Peripheral type neurofibromatosis; VON RECKLINGHAUSEN DISEASE; Neurofibromatosis, type I; NEUROFIBROMATOSIS, TYPE I, SOMATIC. Identifiers: Orphanet 636, MedGen C0027831, MONDO:0018975, OMIM 162200. Disease mechanism: loss of function.

Submission:

Labcorp Genetics (formerly Invitae), Labcorp
Classification: Pathogenic for Neurofibromatosis, type 1. Last evaluated: 2019-12-08. Review status: criteria provided, single submitter. Criteria: Invitae Variant Classification Sherloc (09022015). Collection method: clinical testing. Allele origin: germline.
Comment: For these reasons, this variant has been classified as Pathogenic. Loss-of-function variants in NF1 are known to be pathogenic (PMID: 10712197, 23913538). This variant has not been reported in the literature in individuals with NF1-related conditions. This variant is not present in population databases (ExAC no frequency). This sequence change creates a premature translational stop signal (p.Leu828Argfs*33) in the NF1 gene. It is expected to result in an absent or disrupted protein product.

Literature cited by the submitters: PubMed 10712197; PubMed 23913538.

NM_001042492.3(NF1):c.2481_2491del (p.Leu828fs)

Gene: NF1 (neurofibromin 1; plus strand). Cytogenetic location: 17q11.2.
Variant type: Deletion.
Coding change: c.2481_2491del on transcript NM_001042492.3 (MANE Select); coding-DNA positions 2481 to 2491, 11 bases deleted (TTTGTCTGACA).
Protein change: p.Leu828fs; shifts the reading frame from leucine 828.
Molecular consequence: frameshift variant.
Genome position (GRCh38, 1-based): chr17:31,229,096-31,229,106, TTTGTCTGACA deleted; deleting any 11 consecutive bases within chr17:31,229,095-31,229,106 gives the same sequence; the c. name uses the placement nearest the transcript's 3' end. VCF-style (leftmost placement, unchanged base first): chr17-31229094-GATTTGTCTGAC-G. GRCh37 (hg19) VCF-style: chr17-29556112-GATTTGTCTGAC-G.
Other names: c.2481_2491delTTTGTCTGACA, p.Leu828Argfs (NM_000267.4); short protein forms L828fs.
Identifiers: ClinVar variation 839727 (VCV000839727.6), dbSNP rs2067065846, ClinGen allele CA916080614.
Genomic context (GRCh38, chr17:31,229,094, plus strand): 5'-AGCCTTCACAAGACCATTGTTAAGAGGCGAATGTCCCATGTGAGTGGAGGAGGATCCATA[GATTTGTCTGAC>G]ACAGACTCCCTACAGGAATGGATCAACATGACTGGCTTCCTTTGTGCCCTTGGGGGAGTG-3'